The following is an entry in ClinVar:

ClinVar aggregate classification (germline): Likely benign. Review status: criteria provided, multiple submitters, no conflicts (2 of 4 stars). 5 submissions from 5 submitters: Likely benign (5). Last evaluated 2026-06-15.

Conditions:
Rubinstein-Taybi syndrome (RSTS). Identifiers: Orphanet 783, MedGen C0035934, MONDO:0019188.
Inborn genetic diseases. Identifiers: MedGen C0950123, MeSH D030342.
CREBBP-related disorder. Also called: CREBBP-related disorders; CREBBP-related condition.
Menke-Hennekam syndrome 1 (MKHK1). Identifiers: MedGen C5193034, MONDO:0020763, OMIM 618332.
Rubinstein-Taybi syndrome due to CREBBP mutations (RSTS1). Also called: Rubinstein-Taybi syndrome 1; RUBINSTEIN-TAYBI SYNDROME 1, INCOMPLETE; BROAD THUMBS AND GREAT TOES, CHARACTERISTIC FACIES, AND IMPAIRED INTELLECTUAL DEVELOPMENT; BROAD THUMB-HALLUX SYNDROME; CREBBP-Related Rubinstein-Taybi Syndrome; RUBINSTEIN SYNDROME. Identifiers: Orphanet 353277, Orphanet 783, MedGen C4551859, MONDO:0008393, OMIM 180849.

Allele frequency attached by ClinVar (database versions not stated): gnomAD 0.00001; TOPMed 0.00001.
gnomAD v4.1: 10 of 1,613,810 alleles (0.00062%); highest among the groups gnomAD compares: Middle Eastern, 0.016%; no homozygotes.

Submissions (5):

PreventionGenetics, part of Exact Sciences
Classification: Likely benign for CREBBP-related condition. Last evaluated: 2026-06-15. Review status: criteria provided, single submitter. Criteria: ACMG Guidelines, 2015. Collection method: clinical testing. Allele origin: germline.
Comment: This variant is classified as likely benign based on ACMG/AMP sequence variant interpretation guidelines (Richards et al. 2015 PMID: 25741868, with internal and published modifications).

Labcorp Genetics (formerly Invitae), Labcorp
Classification: Likely benign for Rubinstein-Taybi syndrome. Last evaluated: 2024-05-07. Review status: criteria provided, single submitter. Criteria: Invitae Variant Classification Sherloc (09022015). Collection method: clinical testing. Allele origin: germline.

Blueprint Genetics
Classification: Likely benign. Last evaluated: 2022-12-09. Review status: criteria provided, single submitter. Criteria: ACMG Guidelines, 2015. Collection method: clinical testing. Allele origin: germline.

Fulgent Genetics
Classification: Likely benign for Rubinstein-Taybi syndrome due to CREBBP mutations; Menke-Hennekam syndrome 1. Last evaluated: 2021-08-18. Review status: criteria provided, single submitter. Criteria: ACMG Guidelines, 2015. Collection method: clinical testing. Allele origin: unknown.

Ambry Genetics
Classification: Likely benign for Inborn genetic diseases. Last evaluated: 2016-09-01. Review status: criteria provided, single submitter. Criteria: Ambry Variant Classification Scheme 2023. Collection method: clinical testing. Allele origin: germline.

NM_004380.3(CREBBP):c.3465C>T (p.Asp1155=)

Gene: CREBBP (CREB binding lysine acetyltransferase; minus strand). Cytogenetic location: 16p13.3.
Variant type: single nucleotide variant.
Coding change: c.3465C>T on transcript NM_004380.3 (MANE Select); coding-DNA position 3465, C replaced by T.
Protein change: p.Asp1155=; no amino-acid change (aspartic acid 1155 retained).
Molecular consequence: synonymous variant.
Genome position (GRCh38, 1-based): chr16:3,757,953, G>A on the plus strand (C>T on the coding strand, the complement: CREBBP is on the minus strand). VCF-style: chr16-3757953-G-A. GRCh37 (hg19) VCF-style: chr16-3807954-G-A.
Other names: c.3351C>T, p.Asp1117= (NM_001079846.1).
Identifiers: ClinVar variation 589696 (VCV000589696.13), dbSNP rs1447337021, ClinGen allele CA493394539.